The following is an entry in ClinVar:

NM_002440.4(MSH4):c.2261C>T (p.Ser754Leu)

Gene: MSH4 (mutS homolog 4; plus strand). Cytogenetic location: 1p31.1.
Variant type: single nucleotide variant.
Coding change: c.2261C>T on transcript NM_002440.4 (MANE Select); coding-DNA position 2261, C replaced by T.
Protein change: p.Ser754Leu; replaces serine 754 with leucine.
Molecular consequence: missense variant.
Genome position (GRCh38, 1-based): chr1:75,890,730, C>T. VCF-style: chr1-75890730-C-T. GRCh37 (hg19) VCF-style: chr1-76356415-C-T.
Other names: MSH4, SER754LEU (rs377712900); short protein forms S754L.
Identifiers: ClinVar variation 869115 (VCV000869115.8), dbSNP rs377712900, ClinGen allele CA914483.
Genomic context (GRCh38, chr1:75,890,730, plus strand): 5'-ATAAATATTAAAATTATATATTTCAGATAGCATATATTCTACATAATGCTAATGACAAAT[C>T]GCTCATATTAATTGATGAACTTGGCAGAGGTACTAATACGGAAGAAGGTATTGGCATTTG-3'
Protein context (NP_002431.2, residues 744-764): AYILHNANDK[Ser754Leu]LILIDELGRG

ClinVar aggregate classification (germline): Pathogenic/Likely pathogenic. Review status: criteria provided, multiple submitters, no conflicts (2 of 4 stars). 6 submissions from 3 submitters: Pathogenic (3); Likely pathogenic (1). 2 of the submissions do not count toward it. Last evaluated 2021-05-24.

Conditions:
Premature menopause. Identifiers: MedGen C0025322, MONDO:0001119.
Non-obstructive azoospermia. Identifiers: MedGen C4021107, HP:0011961.
Spermatogenic failure 2. Also called: ASPERMIOGENESIS FACTOR; SPGF2. Identifiers: MedGen C1862459, MONDO:0007161, OMIM 108420.
Premature ovarian failure 20 (POF20). Identifiers: MedGen C5677011, MONDO:0030975, OMIM 619938.
Oligospermia. Identifiers: MedGen C0028960, MeSH D009845, MONDO:0001913.

Allele frequency attached by ClinVar (database versions not stated): ESP Exome Variant Server 0.00008; TOPMed 0.00002; gnomAD 0.00005; gnomAD exomes 0.00003; ExAC 0.00006.
gnomAD v4.1: 40 of 1,602,118 alleles (0.0025%); highest among the groups gnomAD compares: African/African-American, 0.0067%; no homozygotes.

Submissions (6):

Institute of Reproductive Genetics, University of Münster
Classification: Likely pathogenic for Non-obstructive azoospermia. Last evaluated: 2021-05-24. Review status: criteria provided, single submitter. Criteria: ACMG Guidelines, 2015. Collection method: research. Allele origin: germline. Inheritance: Autosomal recessive inheritance. Affected: yes. Observed: 1 variant allele.

Clinical Bioinformatic Lab, Royan Institute
Classification: Pathogenic for Premature ovarian insufficiency. Last evaluated: 2019-03-20. Review status: criteria provided, single submitter. Criteria: ACMG Guidelines, 2015. Collection method: clinical testing. Allele origin: inherited. Inheritance: Autosomal recessive inheritance. Affected: yes and no. Observed: 10 variant alleles, 5 heterozygotes, 5 homozygotes.
Comment: Knockout mouse models of MSH4 have been reported to be infertile in both genders due to meiotic arrest (Kneitz, 2000). In human an MSH4 splice site variant has been reported to cause premature ovarian failure (Carlosama, 2017). Exon 17 of this gene encodes a number of functional domains and is highly conserved. Here, we report the S754L variant in exon 17 as the genetic cause of azoospermia and premature ovarian failure in homozygous state and oligozoospermia in the heterozygous state in a consanguineous family.

Clinical Bioinformatic Lab, Royan Institute
Classification: Pathogenic for Non-obstructive azoospermia. Last evaluated: 2019-03-20. Review status: criteria provided, single submitter. Criteria: ACMG Guidelines, 2015. Collection method: clinical testing. Allele origin: inherited. Inheritance: Autosomal recessive inheritance. Affected: yes. Observed: 5 variant alleles, 5 homozygotes.
Comment: Knockout mouse models of MSH4 have been reported to be infertile in both genders due to meiotic arrest (Kneitz, 2000). Exon 17 of this gene encodes a number of functional domains and is highly conserved. Here, we report the S754L variant in exon 17 as the genetic cause of non-obstructive azoospermia in homozygous state in a consanguineous family.

Clinical Bioinformatic Lab, Royan Institute
Classification: Pathogenic for Oligospermia. Last evaluated: 2019-03-20. Review status: criteria provided, single submitter. Criteria: ACMG Guidelines, 2015. Collection method: clinical testing. Allele origin: inherited. Inheritance: Autosomal dominant inheritance. Affected: yes. Observed: 5 variant alleles, 5 heterozygotes.
Comment: the same text as in the submission from Clinical Bioinformatic Lab, Royan Institute above.

OMIM
Classification: Pathogenic for SPERMATOGENIC FAILURE 2. Last evaluated: 2022-07-01. Review status: no assertion criteria provided. Collection method: literature only. Allele origin: germline. Not counted in ClinVar's aggregate classification.

OMIM
Classification: Pathogenic for PREMATURE OVARIAN FAILURE 20. Last evaluated: 2022-07-01. Review status: no assertion criteria provided. Collection method: literature only. Allele origin: germline. Not counted in ClinVar's aggregate classification.

Literature cited by the submitters: PubMed 33448284 (cited by Clinical Bioinformatic Lab, Royan Institute and OMIM).